The following is an entry in ClinVar:

NM_001184880.2(PCDH19):c.791A>G (p.Asp264Gly)

Gene: PCDH19 (protocadherin 19; minus strand). Cytogenetic location: Xq22.1.
Variant type: single nucleotide variant.
Coding change: c.791A>G on transcript NM_001184880.2 (MANE Select); coding-DNA position 791, A replaced by G.
Protein change: p.Asp264Gly; replaces aspartic acid 264 with glycine.
Molecular consequence: missense variant.
Genome position (GRCh38, 1-based): chrX:100,407,807, T>C on the plus strand (A>G on the coding strand, the complement: PCDH19 is on the minus strand). VCF-style: chrX-100407807-T-C. GRCh37 (hg19) VCF-style: chrX-99662805-T-C.
Other names: c.791A>G, p.Asp264Gly (NM_001105243.2, NM_020766.3); short protein forms D264G.
Identifiers: ClinVar variation 4857428 (VCV004857428.2).

ClinVar aggregate classification (germline): Pathogenic (1 of 4 stars; one submission).

Conditions:
Developmental and epileptic encephalopathy, 9 (DEE9). Also called: Early infantile epileptic encephalopathy 9; EPILEPSY, FEMALE-RESTRICTED, WITH MENTAL RETARDATION; JUBERG-HELLMAN SYNDROME; PCDH19-Related X-Linked Female-Limited Epilepsy with Mental Retardation. Identifiers: Orphanet 101039, Orphanet 2076, MedGen C1848137, MONDO:0010246, OMIM 300088. Disease mechanism: loss of function.

Submission:

Institute of Human Genetics, University of Leipzig Medical Center
Classification: Pathogenic for Developmental and epileptic encephalopathy, 9. Last evaluated: 2026-04-20. Review status: criteria provided, single submitter. Criteria: ACMG Guidelines, 2015. Collection method: clinical testing. Allele origin: de novo. Inheritance: X-linked dominant inheritance. Affected: yes.
Comment: Criteria applied: PM5_STR,PM2,PM1_SUP,PP3, PS2_MOD